The following is an entry in ClinVar:

NM_032142.4(CEP192):c.4996A>G (p.Arg1666Gly)

Genes: CEP192 (centrosomal protein 192; plus strand), LOC126862698 (BRD4-independent group 4 enhancer GRCh37_chr18:13068543-13069742; plus strand). Cytogenetic location: 18p11.21.
Variant type: single nucleotide variant.
Coding change: c.4996A>G on transcript NM_032142.4 (MANE Select); coding-DNA position 4996, A replaced by G.
Protein change: p.Arg1666Gly; replaces arginine 1666 with glycine.
Molecular consequence: missense variant.
Genome position (GRCh38, 1-based): chr18:13,069,122, A>G. VCF-style: chr18-13069122-A-G. GRCh37 (hg19) VCF-style: chr18-13069121-A-G.
Other names: short protein forms R1666G.
Identifiers: ClinVar variation 3338519 (VCV003338519.1).

ClinVar aggregate classification (germline): Uncertain significance (1 of 4 stars; one submission).

Submission:

Greenwood Genetic Center Diagnostic Laboratories, Greenwood Genetic Center
Classification: Uncertain significance. Last evaluated: 2024-05-22. Review status: criteria provided, single submitter. Criteria: ACMG Guidelines, 2015. Collection method: clinical testing. Allele origin: germline. Affected: yes.
Comment: Gene of Uncertain Significance